The following is an entry in ClinVar:

NM_174936.4(PCSK9):c.1964T>G (p.Val655Gly)

Gene: PCSK9 (proprotein convertase subtilisin/kexin type 9; plus strand). Cytogenetic location: 1p32.3.
Variant type: single nucleotide variant.
Coding change: c.1964T>G on transcript NM_174936.4 (MANE Select); coding-DNA position 1964, T replaced by G.
Protein change: p.Val655Gly; replaces valine 655 with glycine.
Molecular consequence: missense variant. On other transcripts: non-coding transcript variant (8).
Genome position (GRCh38, 1-based): chr1:55,063,469, T>G. VCF-style: chr1-55063469-T-G. GRCh37 (hg19) VCF-style: chr1-55529142-T-G.
Other names: c.2087T>G, p.Val696Gly (NM_001407240.1); c.2006T>G, p.Val669Gly (NM_001407241.1); c.1967T>G, p.Val656Gly (NM_001407242.1); c.1907T>G, p.Val636Gly (NM_001407243.1); c.1790T>G, p.Val597Gly (NM_001407244.1); c.1772T>G, p.Val591Gly (NM_001407245.1); c.1589T>G, p.Val530Gly (NM_001407246.1); c.1463T>G, p.Val488Gly (NM_001407247.1); short protein forms V488G, V530G, V591G, V597G, V636G, V655G, V656G, V669G.
Identifiers: ClinVar variation 3072686 (VCV003072686.2), dbSNP rs2523286704, ClinGen allele CA340480743.
Genomic context (GRCh38, chr1:55,063,469, plus strand): 5'-GCAGTGCCCTCCCTGGGACCTCCCACGTCCTGGGGGCCTACGCCGTAGACAACACGTGTG[T>G]AGTCAGGAGCCGGGACGTCAGCACTACAGGCAGCACCAGCGAAGGGGCCGTGACAGCCGT-3'
Protein context (NP_777596.2, residues 645-665): LGAYAVDNTC[Val655Gly]VRSRDVSTTG

ClinVar aggregate classification (germline): Uncertain significance. Review status: criteria provided, multiple submitters, no conflicts (2 of 4 stars). 2 submissions from 2 submitters: Uncertain significance (2). Last evaluated 2025-09-07.

Conditions:
Hypercholesterolemia, autosomal dominant, 3 (FHCL3). Also called: Familial Hypercholesterolemia, Autosomal Dominant, 3; PCSK9-Related Familial Hypercholesterolemia, Autosomal Dominant; Familial hypercholesterolemia 3. Identifiers: MedGen C1863551, MONDO:0011369, OMIM 603776.
Cardiovascular phenotype. Identifiers: MedGen CN230736.

Submissions (2):

Ambry Genetics
Classification: Uncertain significance for Cardiovascular phenotype. Last evaluated: 2025-09-07. Review status: criteria provided, single submitter. Criteria: Ambry Variant Classification Scheme 2023. Collection method: clinical testing. Allele origin: germline.
Comment: The p.V655G variant (also known as c.1964T>G), located in coding exon 12 of the PCSK9 gene, results from a T to G substitution at nucleotide position 1964. The valine at codon 655 is replaced by glycine, an amino acid with dissimilar properties. This amino acid position is conserved. In addition, the in silico prediction for this alteration is inconclusive. Based on the available evidence, the clinical significance of this variant remains unclear.

All of Us Research Program, National Institutes of Health
Classification: Uncertain significance for Hypercholesterolemia, autosomal dominant, 3. Last evaluated: 2023-08-15. Review status: criteria provided, single submitter. Criteria: ACMG Guidelines, 2015. Collection method: clinical testing. Allele origin: germline. Inheritance: Autosomal dominant inheritance. Observed: 1 variant allele, 1 heterozygote.
Comment: This missense variant replaces valine with glycine at codon 655 of the PCSK9 protein. Computational prediction suggests that this variant may not impact protein structure and function (internally defined REVEL score threshold <= 0.5, PMID: 27666373). To our knowledge, functional studies have not been reported for this variant. This variant has not been reported in individuals affected with cardiovascular disorders in the literature. This variant has not been identified in the general population by the Genome Aggregation Database (gnomAD). The available evidence is insufficient to determine the role of this variant in disease conclusively. Therefore, this variant is classified as a Variant of Uncertain Significance.

This study involves interpretation of variants in research participants for the purpose of population health screening. Participant phenotype was not available at the time of variant classification. Additional details can be found in publication PMID: 35346344, PMCID: PMC8962531